The following is an entry in ClinVar:

ClinVar aggregate classification (germline): Conflicting classifications of pathogenicity. Review status: criteria provided, conflicting classifications (1 of 4 stars). 3 submissions from 3 submitters: Uncertain significance (2); Likely benign (1). Last evaluated 2025-11-22.

Conditions:
GH1-related disorder. Also called: GH1-related condition.
Inborn genetic diseases. Identifiers: MedGen C0950123, MeSH D030342.

Allele frequency attached by ClinVar (database versions not stated): ExAC 0.00007; ESP Exome Variant Server 0.00023.
gnomAD v4.1: 144 of 1,614,016 alleles (0.0089%); highest among the groups gnomAD compares: African/African-American, 0.024%; no homozygotes.

Submissions (3):

PreventionGenetics, part of Exact Sciences
Classification: Uncertain significance for GH1-related condition. Last evaluated: 2025-11-22. Review status: criteria provided, single submitter. Criteria: ACMG Guidelines, 2015. Collection method: clinical testing. Allele origin: germline.
Comment: The GH1 c.41G>C variant is predicted to result in the amino acid substitution p.Gly14Ala. To our knowledge, this variant has not been reported in the literature. This variant is reported in 0.032% of alleles in individuals of European (Finnish) descent in gnomAD. At this time, the clinical significance of this variant is uncertain due to the absence of conclusive functional and genetic evidence.

Labcorp Genetics (formerly Invitae), Labcorp
Classification: Uncertain significance. Last evaluated: 2025-02-27. Review status: criteria provided, single submitter. Criteria: Invitae Variant Classification Sherloc (09022015). Collection method: clinical testing. Allele origin: germline.
Comment: This sequence change replaces glycine, which is neutral and non-polar, with alanine, which is neutral and non-polar, at codon 14 of the GH1 protein (p.Gly14Ala). This variant is present in population databases (rs372110326, gnomAD 0.03%). This variant has not been reported in the literature in individuals affected with GH1-related conditions. ClinVar contains an entry for this variant (Variation ID: 2368225). An algorithm developed to predict the effect of missense changes on protein structure and function outputs the following: PolyPhen-2: "Benign". The alanine amino acid residue is found in multiple mammalian species, which suggests that this missense change does not adversely affect protein function. In summary, the available evidence is currently insufficient to determine the role of this variant in disease. Therefore, it has been classified as a Variant of Uncertain Significance.

Ambry Genetics
Classification: Likely benign for Inborn genetic diseases. Last evaluated: 2022-10-04. Review status: criteria provided, single submitter. Criteria: Ambry Variant Classification Scheme 2023. Collection method: clinical testing. Allele origin: germline.

NM_000515.5(GH1):c.41G>C (p.Gly14Ala)

Genes: GH-LCR (growth hormone locus control region; plus strand), GH1 (growth hormone 1; minus strand). Cytogenetic location: 17q23.3.
Variant type: single nucleotide variant.
Coding change: c.41G>C on transcript NM_000515.5 (MANE Select); coding-DNA position 41, G replaced by C.
Protein change: p.Gly14Ala; replaces glycine 14 with alanine.
Molecular consequence: missense variant.
Genome position (GRCh38, 1-based): chr17:63,918,476, C>G on the plus strand (G>C on the coding strand, the complement: GH1 is on the minus strand). VCF-style: chr17-63918476-C-G. GRCh37 (hg19) VCF-style: chr17-61995836-C-G.
Other names: c.41G>C (NM_000515.4); c.41G>C, p.Gly14Ala (NM_022559.4, NM_022560.4); short protein forms G14A.
Identifiers: ClinVar variation 2368225 (VCV002368225.4), dbSNP rs372110326, ClinGen allele CA8708376.
Genomic context (GRCh38, chr17:63,918,476, plus strand): 5'-CTGGATAAGGGAATGGTTGGGAAGGCACTGCCCTCTTGAAGCCAGGGCAGGCAGAGCAGG[C>G]CAAAAGCCAGGAGCAGGGACGTCCGGGAGCCTGGGGAGAAACCAGAGGGCAACAGAGGGA-3'
Protein context (NP_000506.2, residues 4-24): GSRTSLLLAF[Gly14Ala]LLCLPWLQEG